The following is an entry in ClinVar:

NM_001267550.2(TTN):c.63413_63420dup (p.Tyr21141fs)

Genes: TTN-AS1 (TTN antisense RNA 1; plus strand), TTN (titin; minus strand). Cytogenetic location: 2q31.2.
Variant type: Duplication.
Coding change: c.63413_63420dup on transcript NM_001267550.2 (MANE Select); coding-DNA positions 63413 to 63420, 8 bases duplicated (ACCAGGAA; older notation c.63413_63420dupACCAGGAA).
Protein change: p.Tyr21141fs; shifts the reading frame from tyrosine 21141.
Molecular consequence: frameshift variant.
Genome position (GRCh38, 1-based): chr2:178,587,987-178,587,994, TTCCTGGT duplicated on the plus strand (ACCAGGAA on the coding strand, the reverse complement: TTN is on the minus strand); duplicating any 8 consecutive bases within chr2:178,587,987-178,587,996 gives the same sequence; the c. name uses the placement nearest the transcript's 3' end. VCF-style (leftmost placement, unchanged base first): chr2-178587986-A-ATTCCTGGT. GRCh37 (hg19) VCF-style: chr2-179452713-A-ATTCCTGGT.
Other names: c.58490_58497dup, p.Tyr19500fs (NM_001256850.1); c.36218_36225dup, p.Tyr12076fs (NM_003319.4); c.55709_55716dup, p.Tyr18573fs (NM_133378.4); c.36593_36600dup, p.Tyr12201fs (NM_133432.3); c.36794_36801dup, p.Tyr12268fs (NM_133437.4); c.36218_36225dupACCAGGAA (NM_003319.4); short protein forms Y18573fs, Y21141fs, Y12201fs, Y12268fs, Y19500fs, Y12076fs.
Identifiers: ClinVar variation 2952650 (VCV002952650.4), dbSNP rs2469321089, ClinGen allele CA2740096074.

ClinVar aggregate classification (germline): Likely pathogenic. Review status: criteria provided, multiple submitters, no conflicts (2 of 4 stars). 2 submissions from 2 submitters: Likely pathogenic (2). Last evaluated 2025-09-25.

Conditions:
Cardiovascular phenotype. Identifiers: MedGen CN230736.
Autosomal recessive limb-girdle muscular dystrophy type 2J (LGMDR10). Also called: Limb-girdle muscular dystrophy, type 2J; MUSCULAR DYSTROPHY, LIMB-GIRDLE, AUTOSOMAL RECESSIVE 10. Identifiers: Orphanet 140922, MedGen C1837342, MONDO:0012127, OMIM 608807.
Dilated cardiomyopathy 1G (CMD1G). Identifiers: Orphanet 154, MedGen C1858763, MONDO:0011400, OMIM 604145.

Submissions (2):

Ambry Genetics
Classification: Likely pathogenic for Cardiovascular phenotype. Last evaluated: 2025-09-25. Review status: criteria provided, single submitter. Criteria: Ambry Variant Classification Scheme 2023. Collection method: clinical testing. Allele origin: germline.
Comment: The c.36218_36225dupACCAGGAA variant, located in coding exon 132 of the TTN gene, results from a duplication of ACCAGGAA at nucleotide position 36218, causing a translational frameshift with a predicted alternate stop codon (p.Y12076Tfs*22). This exon is located in the A-band region of the N2-B isoform of the titin protein and is constitutively expressed in TTN transcripts (percent spliced in or PSI 100%). This variant was reported in individual(s) with features consistent with dilated cardiomyopathy (Ambry internal data). This variant is considered to be rare based on population cohorts in the Genome Aggregation Database (gnomAD). This variant is expected to result in loss of function by premature protein truncation or nonsense-mediated mRNA decay. While truncating variants in TTN are present in 1-3% of the general population, truncating variants in the A-band are the most common cause of dilated cardiomyopathy (Herman DS et al. N. Engl. J. Med., 2012 Feb;366:619-28; Roberts AM et al. Sci Transl Med, 2015 Jan;7:270ra6). TTN truncating variants encoded in constitutive exons (PSI >90%) have been found to be significantly associated with DCM regardless of their position in titin (Schafer S et al. Nat. Genet., 2017 01;49:46-53; Akhtar MM et al. Circ Heart Fail, 2020 Oct;13:e006832; Massier M et al. Clin Genet, 2025 Jan). Based on the majority of available evidence to date, this variant is likely to be pathogenic.

Labcorp Genetics (formerly Invitae), Labcorp
Classification: Likely pathogenic for Dilated cardiomyopathy 1G; Autosomal recessive limb-girdle muscular dystrophy type 2J. Last evaluated: 2023-10-07. Review status: criteria provided, single submitter. Criteria: Invitae Variant Classification Sherloc (09022015). Collection method: clinical testing. Allele origin: germline.
Comment: This sequence change creates a premature translational stop signal (p.Tyr21141Thrfs*22) in the TTN gene. While this is not anticipated to result in nonsense mediated decay, it is expected to create a truncated TTN protein. This variant is not present in population databases (gnomAD no frequency). This variant has not been reported in the literature in individuals affected with TTN-related conditions. This variant is located in the A band of TTN (PMID: 25589632). Truncating variants in this region are significantly overrepresented in patients affected with dilated cardiomyopathy (PMID: 25589632). Truncating variants in this region have also been reported in individuals affected with autosomal recessive centronuclear myopathy (PMID: 23975875). In summary, the currently available evidence indicates that the variant is pathogenic, but additional data are needed to prove that conclusively. Therefore, this variant has been classified as Likely Pathogenic.

Literature cited by the submitters: PubMed 25589632 (cited by Labcorp Genetics (formerly Invitae), Labcorp); PubMed 23975875 (cited by Labcorp Genetics (formerly Invitae), Labcorp).